The following is an entry in ClinVar:

ClinVar aggregate classification (germline): Uncertain significance (1 of 4 stars; one submission).

Conditions:
Epidermodysplasia verruciformis. Identifiers: Orphanet 302, MedGen C0014522, MONDO:0009176.

gnomAD v4.1: 2 of 1,508,914 alleles (0.00013%); highest among the groups gnomAD compares: East Asian, 0.0025%; no homozygotes.

Submission:

Labcorp Genetics (formerly Invitae), Labcorp
Classification: Uncertain significance for Epidermodysplasia verruciformis. Last evaluated: 2022-07-26. Review status: criteria provided, single submitter. Criteria: Invitae Variant Classification Sherloc (09022015). Collection method: clinical testing. Allele origin: germline.
Comment: This sequence change replaces arginine, which is basic and polar, with glutamine, which is neutral and polar, at codon 70 of the TMC8 protein (p.Arg70Gln). This variant is not present in population databases (gnomAD no frequency). This variant has not been reported in the literature in individuals affected with TMC8-related conditions. ClinVar contains an entry for this variant (Variation ID: 1475991). Algorithms developed to predict the effect of missense changes on protein structure and function output the following: SIFT: "Tolerated"; PolyPhen-2: "Benign"; Align-GVGD: "Class C0". The glutamine amino acid residue is found in multiple mammalian species, which suggests that this missense change does not adversely affect protein function. In summary, the available evidence is currently insufficient to determine the role of this variant in disease. Therefore, it has been classified as a Variant of Uncertain Significance.

NM_152468.5(TMC8):c.209G>A (p.Arg70Gln)

Genes: TMC6 (transmembrane channel like 6; minus strand), TMC8 (transmembrane channel like 8; plus strand), LOC130061792 (ATAC-STARR-seq lymphoblastoid silent region 9043; plus strand). Cytogenetic location: 17q25.3.
Variant type: single nucleotide variant.
Coding change: c.209G>A on transcript NM_152468.5 (MANE Select); coding-DNA position 209, G replaced by A.
Protein change: p.Arg70Gln; replaces arginine 70 with glutamine.
Molecular consequence: missense variant. On other transcripts: intron variant (1).
Genome position (GRCh38, 1-based): chr17:78,131,941, G>A. VCF-style: chr17-78131941-G-A. GRCh37 (hg19) VCF-style: chr17-76128022-G-A.
Other names: c.-75+400C>T (NM_007267.7); short protein forms R70Q.
Identifiers: ClinVar variation 1475991 (VCV001475991.6), dbSNP rs2145576595, ClinGen allele CA401239822.